The following is an entry in ClinVar:

NM_007194.4(CHEK2):c.-7+4_-7+13del

Genes: CHEK2 (checkpoint kinase 2; minus strand), LOC130067165 (ATAC-STARR-seq lymphoblastoid active region 18804; plus strand). Cytogenetic location: 22q12.1.
Variant type: Deletion.
Coding change: c.-7+4_-7+13del on transcript NM_007194.4 (MANE Select); bases 4 to 13 of the intron after 7 bases upstream of the start codon, 10 bases deleted (AGTCATATGG; older notation c.-7+4_-7+13delAGTCATATGG).
Molecular consequence: intron variant.
Genome position (GRCh38, 1-based): chr22:28,741,756-28,741,765, CCATATGACT deleted on the plus strand (AGTCATATGG on the coding strand, the reverse complement: CHEK2 is on the minus strand); deleting any 10 consecutive bases within chr22:28,741,756-28,741,766 gives the same sequence; the c. name uses the placement nearest the transcript's 3' end. VCF-style (leftmost placement, unchanged base first): chr22-28741755-CCCATATGACT-C. GRCh37 (hg19) VCF-style: chr22-29137743-CCCATATGACT-C.
Other names: c.-7+4_-7+13delAGTCATATGG (NM_007194.3); c.-345+4_-345+13del (NM_001437942.1); c.-7+4_-7+13del (NM_001349956.3, NM_145862.3, NM_001438295.1 and 3 more transcripts); c.-784+4_-784+13del (NM_001257387.3).
Identifiers: ClinVar variation 418770 (VCV000418770.2), dbSNP rs1555936035, ClinGen allele CA16621089.

ClinVar aggregate classification (germline): Uncertain significance (1 of 4 stars; one submission).

Submission:

GeneDx
Classification: Uncertain significance. Last evaluated: 2015-03-31. Review status: criteria provided, single submitter. Criteria: GeneDx Variant Classification (06012015). Collection method: clinical testing. Allele origin: germline. Affected: yes.
Comment: This variant is denoted CHEK2 c.-7+4_-7+13del10 or IVS1+4_IVS1+13del10 and consists of a deletion of 10 nucleotides at the 4 to 13 position of intron 1 in the CHEK2 gene. The normal sequence, with the bases that are deleted in brackets, is Ggtg[del10]ggaa, where the capital letter is exonic and lowercase are intronic. This variant has not, to our knowledge, been published in the literature as pathogenic or benign. Multiple in silico models predict this variant to destroy or reduce the nearby natural splice donor site, and to possibly cause abnormal gene splicing; however, the impact of this variant on the protein cannot be predicted. The nucleotides that are deleted are conserved through mammals. Based on the currently available information, we consider CHEK2 c.-7+4_-7+13del10 to be a variant of uncertain significance.